The following is an entry in ClinVar:

NM_001037.5(SCN1B):c.644del (p.Gln215fs)

Gene: SCN1B (sodium voltage-gated channel beta subunit 1; plus strand). Cytogenetic location: 19q13.11.
Variant type: Deletion.
Coding change: c.644del on transcript NM_001037.5 (MANE Select); coding-DNA position 644, one base deleted (A; older notation c.644delA).
Protein change: p.Gln215fs; shifts the reading frame from glutamine 215.
Molecular consequence: frameshift variant.
Genome position (GRCh38, 1-based): chr19:35,039,688, A deleted. VCF-style (leftmost placement, unchanged base first): chr19-35039687-CA-C. GRCh37 (hg19) VCF-style: chr19-35530591-CA-C.
Other names: c.545del, p.Gln182fs (NM_001321605.2); short protein forms Q182fs, Q215fs.
Identifiers: ClinVar variation 503607 (VCV000503607.2), dbSNP rs1555721533, ClinGen allele CA658799181.

ClinVar aggregate classification (germline): Uncertain significance (1 of 4 stars; one submission).

Submission:

GeneDx
Classification: Uncertain significance. Last evaluated: 2017-11-07. Review status: criteria provided, single submitter. Criteria: GeneDx Variant Classification (06012015). Collection method: clinical testing. Allele origin: germline. Affected: yes.
Comment: A variant of uncertain significance has been identified in the SCN1B gene. This variant has not beenpublished as pathogenic variant, not has it been reported as a benign variant to our knowledge. The c.644delA variant is not observed in large population cohorts (Lek et al., 2016). The c.644delA variant causes a frameshift starting with codon Glutamine 215, changes this amino acid to an Arginine residue and creates a Stop codon at position 78 of the new reading frame, denoted p.Gln215ArgfsX78. This variant is predicted to cause a protein extension, as the last 4 amino acids are replaced with 77incorrect amino acids. However, other variants in the SCN1B gene that are predicted to cause aprotein extension have not been reported in the Human Gene Mutation Database in association with SCN1B-related disorders (Stenson et al., 2014). Therefore, based on the currently availableinformation, it is unclear whether this variant is a pathogenic variant or a rare benign variant.